The following is an entry in ClinVar:

NM_001205019.2(GK):c.200G>T (p.Cys67Phe)

Gene: GK (glycerol kinase; plus strand). Cytogenetic location: Xp21.2.
Variant type: single nucleotide variant.
Coding change: c.200G>T on transcript NM_001205019.2 (MANE Select); coding-DNA position 200, G replaced by T.
Protein change: p.Cys67Phe; replaces cysteine 67 with phenylalanine.
Molecular consequence: missense variant. On other transcripts: non-coding transcript variant (1).
Genome position (GRCh38, 1-based): chrX:30,668,059, G>T. VCF-style: chrX-30668059-G-T. GRCh37 (hg19) VCF-style: chrX-30686176-G-T.
Other names: c.200G>T, p.Cys67Phe (NM_000167.6, NM_001128127.3, NM_001399987.1 and 2 more transcripts); short protein forms C67F.
Identifiers: ClinVar variation 4999121 (VCV004999121.1).

ClinVar aggregate classification (germline): Uncertain significance (1 of 4 stars; one submission).

Conditions:
GK-related disorder. Also called: GK-related condition.

Submission:

PreventionGenetics, part of Exact Sciences
Classification: Uncertain significance for GK-related condition. Last evaluated: 2025-06-17. Review status: criteria provided, single submitter. Criteria: ACMG Guidelines, 2015. Collection method: clinical testing. Allele origin: germline.
Comment: The GK c.200G>T variant is predicted to result in the amino acid substitution p.Cys67Phe. To our knowledge, this variant has not been reported in the literature or in a large population database (gnomAD), indicating this variant is rare. Although we suspect that this variant may be pathogenic, at this time, the clinical significance of this variant is uncertain due to the absence of conclusive functional and genetic evidence.